The following is an entry in ClinVar:

NM_014855.3(AP5Z1):c.1499_1500del (p.Leu500fs)

Gene: AP5Z1 (adaptor related protein complex 5 subunit zeta 1; plus strand). Cytogenetic location: 7p22.1.
Variant type: Microsatellite.
Coding change: c.1499_1500del on transcript NM_014855.3 (MANE Select); coding-DNA positions 1499 to 1500, 2 bases deleted (TC; older notation c.1499_1500delTC).
Protein change: p.Leu500fs; shifts the reading frame from leucine 500.
Molecular consequence: frameshift variant. On other transcripts: non-coding transcript variant (1).
Genome position (GRCh38, 1-based): chr7:4,788,198-4,788,199, TC deleted; deleting any 2 consecutive bases within chr7:4,788,193-4,788,199 gives the same sequence; the c. name uses the placement nearest the transcript's 3' end. VCF-style (leftmost placement, unchanged base first): chr7-4788192-CCT-C. GRCh37 (hg19) VCF-style: chr7-4827823-CCT-C.
Other names: c.1031_1032del, p.Leu344fs (NM_001364858.1); short protein forms L344fs, L500fs.
Identifiers: ClinVar variation 3716976 (VCV003716976.2).

ClinVar aggregate classification (germline): Pathogenic (1 of 4 stars; one submission).

Conditions:
Hereditary spastic paraplegia 48. Also called: Spastic paraplegia 48; SPASTIC PARAPLEGIA 48, AUTOSOMAL RECESSIVE. Identifiers: Orphanet 306511, MedGen C3150901, MONDO:0013342, OMIM 613647.

Submission:

Labcorp Genetics (formerly Invitae), Labcorp
Classification: Pathogenic for Hereditary spastic paraplegia 48. Last evaluated: 2024-12-10. Review status: criteria provided, single submitter. Criteria: Invitae Variant Classification Sherloc (09022015). Collection method: clinical testing. Allele origin: germline.
Comment: This sequence change creates a premature translational stop signal (p.Leu500Glnfs*31) in the AP5Z1 gene. It is expected to result in an absent or disrupted protein product. Loss-of-function variants in AP5Z1 are known to be pathogenic (PMID: 20613862, 27606357). This variant is present in population databases (rs754345952, gnomAD 0.006%). This variant has not been reported in the literature in individuals affected with AP5Z1-related conditions. For these reasons, this variant has been classified as Pathogenic.

Literature cited by the submitters: PubMed 20613862; PubMed 27606357.